The following is an entry in ClinVar:

ClinVar aggregate classification (germline): Uncertain significance. Review status: criteria provided, multiple submitters, no conflicts (2 of 4 stars). 2 submissions from 2 submitters: Uncertain significance (2). Last evaluated 2025-01-15.

Conditions:
OPA1-related disorder. Also called: OPA1-related disorders; OPA1-related condition.

Submissions (2):

PreventionGenetics, part of Exact Sciences
Classification: Uncertain significance for OPA1-related condition. Last evaluated: 2025-01-15. Review status: criteria provided, single submitter. Criteria: ACMG Guidelines, 2015. Collection method: clinical testing. Allele origin: germline.
Comment: The OPA1 c.2177A>C variant is predicted to result in the amino acid substitution p.Glu726Ala. This variant can also be denoted c.2012A>C (p.Glu671Ala) using transcript NM_015560. This variant is located in the last codon of exon 22 and is predicted to cause loss of the canonical splice donor site (SpliceAI, Jaganathan et al. 2019. PubMed ID: 30661751). To our knowledge, this variant has not been reported in the literature. This variant is absent in a large population database (gnomAD), indicating this variant is rare. Although we suspect that this variant may be pathogenic, at this time, the clinical significance of this variant is uncertain due to the absence of conclusive functional and genetic evidence.

Labcorp Genetics (formerly Invitae), Labcorp
Classification: Uncertain significance. Last evaluated: 2024-11-18. Review status: criteria provided, single submitter. Criteria: Invitae Variant Classification Sherloc (09022015). Collection method: clinical testing. Allele origin: germline.
Comment: This sequence change replaces glutamic acid, which is acidic and polar, with alanine, which is neutral and non-polar, at codon 671 of the OPA1 protein (p.Glu671Ala). This variant is not present in population databases (gnomAD no frequency). This variant has not been reported in the literature in individuals affected with OPA1-related conditions. ClinVar contains an entry for this variant (Variation ID: 1373262). An algorithm developed to predict the effect of missense changes on protein structure and function (PolyPhen-2) suggests that this variant is likely to be disruptive. Algorithms developed to predict the effect of sequence changes on RNA splicing suggest that this variant may disrupt the consensus splice site. In summary, the available evidence is currently insufficient to determine the role of this variant in disease. Therefore, it has been classified as a Variant of Uncertain Significance.

NM_130837.3(OPA1):c.2177A>C (p.Glu726Ala)

Gene: OPA1 (OPA1 mitochondrial dynamin like GTPase; plus strand). Cytogenetic location: 3q29.
Variant type: single nucleotide variant.
Coding change: c.2177A>C on transcript NM_130837.3 (MANE Select); coding-DNA position 2177, A replaced by C.
Protein change: p.Glu726Ala; replaces glutamic acid 726 with alanine.
Molecular consequence: missense variant.
Genome position (GRCh38, 1-based): chr3:193,655,026, A>C. VCF-style: chr3-193655026-A-C. GRCh37 (hg19) VCF-style: chr3-193372815-A-C.
Other names: c.1643A>C, p.Glu548Ala (NM_001354663.2); c.1640A>C, p.Glu547Ala (NM_001354664.2); c.2012A>C, p.Glu671Ala (NM_015560.3); c.1904A>C, p.Glu635Ala (NM_130831.3); c.1958A>C, p.Glu653Ala (NM_130832.3); c.2015A>C, p.Glu672Ala (NM_130833.3); c.2066A>C, p.Glu689Ala (NM_130834.3); c.2069A>C, p.Glu690Ala (NM_130835.3); and 2 more; short protein forms E547A, E653A, E690A, E689A, E708A, E548A, E635A, E672A.
Identifiers: ClinVar variation 1373262 (VCV001373262.7), dbSNP rs2109139681, ClinGen allele CA355791334.